The following is an entry in ClinVar:

NM_002109.6(HARS1):c.52G>A (p.Val18Met)

Genes: HARS1 (histidyl-tRNA synthetase 1; minus strand), LOC129994848 (ATAC-STARR-seq lymphoblastoid active region 23285; plus strand). Cytogenetic location: 5q31.3.
Variant type: single nucleotide variant.
Coding change: c.52G>A on transcript NM_002109.6 (MANE Select); coding-DNA position 52, G replaced by A.
Protein change: p.Val18Met; replaces valine 18 with methionine.
Molecular consequence: missense variant. On other transcripts: intron variant (1).
Genome position (GRCh38, 1-based): chr5:140,691,253, C>T on the plus strand (G>A on the coding strand, the complement: HARS1 is on the minus strand). VCF-style: chr5-140691253-C-T. GRCh37 (hg19) VCF-style: chr5-140070838-C-T.
Other names: c.52G>A, p.Val18Met (NM_001258040.3, NM_001258041.3, NM_001258042.3 and 2 more transcripts); c.3+49G>A (NM_001289094.2); c.52G>A (NM_002109.3); short protein forms V18M.
Identifiers: ClinVar variation 472993 (VCV000472993.20), dbSNP rs774632798, ClinGen allele CA3444230.

ClinVar aggregate classification (germline): Conflicting classifications of pathogenicity. Review status: criteria provided, conflicting classifications (1 of 4 stars). 5 submissions from 5 submitters: Uncertain significance (4); Likely benign (1). Last evaluated 2026-05-29.

Conditions:
HARS1-related disorder. Also called: HARS1-related condition.
Usher syndrome type 3B. Also called: USHER SYNDROME, TYPE IIIB. Identifiers: MedGen C3281066, MONDO:0013788, OMIM 614504.

Allele frequency attached by ClinVar (database versions not stated): TOPMed 0.00002; gnomAD 0.00006; gnomAD exomes 0.00006 and 0.00005; ExAC 0.00004.
gnomAD v4.1: 88 of 1,608,504 alleles (0.0055%); highest among the groups gnomAD compares: Non-Finnish European, 0.007%; no homozygotes.

Submissions (5):

PreventionGenetics, part of Exact Sciences
Classification: Uncertain significance for HARS1-related condition. Last evaluated: 2026-05-29. Review status: criteria provided, single submitter. Criteria: ACMG Guidelines, 2015. Collection method: clinical testing. Allele origin: germline.
Comment: The HARS1 c.52G>A variant is predicted to result in the amino acid substitution p.Val18Met. To our knowledge, this variant has not been reported in the literature. This variant is reported in 0.0086% of alleles in individuals of European (Non-Finnish) descent in gnomAD. At this time, the clinical significance of this variant is uncertain due to the absence of conclusive functional and genetic evidence.

Labcorp Genetics (formerly Invitae), Labcorp
Classification: Uncertain significance for Usher syndrome type 3B. Last evaluated: 2025-09-25. Review status: criteria provided, single submitter. Criteria: Invitae Variant Classification Sherloc (09022015). Collection method: clinical testing. Allele origin: germline.
Comment: This sequence change replaces valine, which is neutral and non-polar, with methionine, which is neutral and non-polar, at codon 18 of the HARS protein (p.Val18Met). This variant is present in population databases (rs774632798, gnomAD 0.009%). This variant has not been reported in the literature in individuals affected with HARS-related conditions. ClinVar contains an entry for this variant (Variation ID: 472993). An algorithm developed to predict the effect of missense changes on protein structure and function (PolyPhen-2) suggests that this variant is likely to be disruptive. In summary, the available evidence is currently insufficient to determine the role of this variant in disease. Therefore, it has been classified as a Variant of Uncertain Significance.

Blueprint Genetics
Classification: Uncertain significance. Last evaluated: 2024-11-06. Review status: criteria provided, single submitter. Criteria: ACMG Guidelines, 2015. Collection method: clinical testing. Allele origin: germline.

Ambry Genetics
Classification: Likely benign. Last evaluated: 2024-03-28. Review status: criteria provided, single submitter. Criteria: Ambry Variant Classification Scheme 2023. Collection method: clinical testing. Allele origin: germline.

ARUP Laboratories, Molecular Genetics and Genomics, ARUP Laboratories
Classification: Uncertain significance. Last evaluated: 2019-03-04. Review status: criteria provided, single submitter. Criteria: ARUP Molecular Germline Variant Investigation Process. Collection method: clinical testing. Allele origin: germline.
Comment: The HARS c.52G>A; p.Val18Met variant (rs774632798), to our knowledge, is not described in the medical literature but contains an entry in ClinVar (Variation ID: 472993). It is observed in the general population at an overall frequency of 0.005% (14/278134 alleles) in the Genome Aggregation Database. The valine at codon 18 is moderately conserved, and computational algorithms (PolyPhen-2, SIFT) predict that this variant is deleterious. However, due to the lack of clinical and functional data regarding this variant, its clinical significance cannot be determined with certainty.